The following is an entry in ClinVar:

NM_000038.6(APC):c.2971G>C (p.Glu991Gln)

Gene: APC (APC regulator of Wnt signaling pathway; plus strand). Cytogenetic location: 5q22.2.
Variant type: single nucleotide variant.
Coding change: c.2971G>C on transcript NM_000038.6 (MANE Select); coding-DNA position 2971, G replaced by C.
Protein change: p.Glu991Gln; replaces glutamic acid 991 with glutamine.
Molecular consequence: missense variant.
Genome position (GRCh38, 1-based): chr5:112,838,565, G>C. VCF-style: chr5-112838565-G-C. GRCh37 (hg19) VCF-style: chr5-112174262-G-C.
Other names: c.2122G>C, p.Glu708Gln (NM_001354906.2, NM_001407470.1); c.3055G>C, p.Glu1019Gln (NM_001407446.1); c.3025G>C, p.Glu1009Gln (NM_001407447.1, NM_001407448.1, NM_001407449.1 and 1 more transcripts); c.2668G>C, p.Glu890Gln (NM_001407459.1, NM_001407460.1, NM_001407458.1 and 1 more transcripts); c.2584G>C, p.Glu862Gln (NM_001407467.1, NM_001407469.1); c.1819G>C, p.Glu607Gln (NM_001407471.1, NM_001407472.1); c.2971G>C (NM_000038.5); c.2971G>C, p.Glu991Gln (NM_001407450.1, NM_001127510.3, NM_001354895.2); and 12 more; short protein forms E1001Q, E865Q, E984Q, E991Q, E1009Q, E708Q, E862Q, E890Q.
Identifiers: ClinVar variation 2014530 (VCV002014530.5), dbSNP rs786202995, ClinGen allele CA16027825.

ClinVar aggregate classification (germline): Uncertain significance. Review status: criteria provided, multiple submitters, no conflicts (2 of 4 stars). 2 submissions from 2 submitters: Uncertain significance (2). Last evaluated 2026-08-28.

Conditions:
Hereditary cancer-predisposing syndrome. Also called: Hereditary neoplastic syndrome; Neoplastic Syndromes, Hereditary; Tumor predisposition; Hereditary Cancer Syndrome. Identifiers: Orphanet 140162, MedGen C0027672, MeSH D009386, MONDO:0015356.
Familial adenomatous polyposis 1 (FAP1). Also called: FAMILIAL ADENOMATOUS POLYPOSIS 1, ATTENUATED; POLYPOSIS, ADENOMATOUS INTESTINAL. Identifiers: MedGen C2713442, MONDO:0021056, OMIM 175100. Disease mechanism: loss of function.

Submissions (2):

Ambry Genetics
Classification: Uncertain significance for Hereditary cancer-predisposing syndrome. Last evaluated: 2026-08-28. Review status: criteria provided, single submitter. Criteria: Ambry Variant Classification Scheme 2023. Collection method: clinical testing. Allele origin: germline.
Comment: The p.E991Q variant (also known as c.2971G>C), located in coding exon 15 of the APC gene, results from a G to C substitution at nucleotide position 2971. The glutamic acid at codon 991 is replaced by glutamine, an amino acid with highly similar properties. This amino acid position is conserved. In addition, in silico predictors for this gene do not accurately predict pathogenicity. Based on the available evidence, the clinical significance of this variant remains unclear.

Labcorp Genetics (formerly Invitae), Labcorp
Classification: Uncertain significance for Familial adenomatous polyposis 1. Last evaluated: 2023-07-08. Review status: criteria provided, single submitter. Criteria: Invitae Variant Classification Sherloc (09022015). Collection method: clinical testing. Allele origin: germline.
Comment: ClinVar contains an entry for this variant (Variation ID: 2014530). In summary, the available evidence is currently insufficient to determine the role of this variant in disease. Therefore, it has been classified as a Variant of Uncertain Significance. Advanced modeling of protein sequence and biophysical properties (such as structural, functional, and spatial information, amino acid conservation, physicochemical variation, residue mobility, and thermodynamic stability) performed at Invitae indicates that this missense variant is not expected to disrupt APC protein function. This variant has not been reported in the literature in individuals affected with APC-related conditions. This variant is not present in population databases (gnomAD no frequency). This sequence change replaces glutamic acid, which is acidic and polar, with glutamine, which is neutral and polar, at codon 991 of the APC protein (p.Glu991Gln).